The following is an entry in ClinVar:

NM_001184.4(ATR):c.1492C>T (p.Gln498Ter)

Gene: ATR (ATR checkpoint kinase; minus strand). Cytogenetic location: 3q23.
Variant type: single nucleotide variant.
Coding change: c.1492C>T on transcript NM_001184.4 (MANE Select); coding-DNA position 1492, C replaced by T.
Protein change: p.Gln498Ter; replaces glutamine 498 with a stop codon.
Molecular consequence: nonsense. On other transcripts: intron variant (1).
Genome position (GRCh38, 1-based): chr3:142,560,312, G>A on the plus strand (C>T on the coding strand, the complement: ATR is on the minus strand). VCF-style: chr3-142560312-G-A. GRCh37 (hg19) VCF-style: chr3-142279154-G-A.
Other names: c.1350-871C>T (NM_001354579.2); short protein forms Q498*.
Identifiers: ClinVar variation 2039249 (VCV002039249.4), dbSNP rs2034829087, ClinGen allele CA354822684.

ClinVar aggregate classification (germline): Pathogenic (1 of 4 stars; one submission).

Submission:

Labcorp Genetics (formerly Invitae), Labcorp
Classification: Pathogenic. Last evaluated: 2021-12-10. Review status: criteria provided, single submitter. Criteria: Invitae Variant Classification Sherloc (09022015). Collection method: clinical testing. Allele origin: germline.
Comment: For these reasons, this variant has been classified as Pathogenic. This variant has not been reported in the literature in individuals affected with ATR-related conditions. This variant is not present in population databases (gnomAD no frequency). This sequence change creates a premature translational stop signal (p.Gln498*) in the ATR gene. It is expected to result in an absent or disrupted protein product. Loss-of-function variants in ATR are known to be pathogenic (PMID: 21228398, 23144622).

Literature cited by the submitters: PubMed 21228398; PubMed 23144622.